The following is an entry in ClinVar:

ClinVar aggregate classification (germline): Uncertain significance (1 of 4 stars; one submission).

gnomAD v4.1: 1 of 1,613,968 alleles (0.000062%); no homozygotes.

Submission:

GeneDx
Classification: Uncertain significance. Last evaluated: 2024-07-02. Review status: criteria provided, single submitter. Criteria: GeneDx Variant Classification Process June 2021. Collection method: clinical testing. Allele origin: germline. Affected: yes.
Comment: Not observed at significant frequency in large population cohorts (gnomAD); In silico analysis supports that this missense variant has a deleterious effect on protein structure/function; Has not been previously published as pathogenic or benign to our knowledge

NM_030777.4(SLC2A10):c.1439T>C (p.Leu480Pro)

Gene: SLC2A10 (solute carrier family 2 member 10; plus strand). Cytogenetic location: 20q13.12.
Variant type: single nucleotide variant.
Coding change: c.1439T>C on transcript NM_030777.4 (MANE Select); coding-DNA position 1439, T replaced by C.
Protein change: p.Leu480Pro; replaces leucine 480 with proline.
Molecular consequence: missense variant.
Genome position (GRCh38, 1-based): chr20:46,729,380, T>C. VCF-style: chr20-46729380-T-C. GRCh37 (hg19) VCF-style: chr20-45358019-T-C.
Other names: short protein forms L480P.
Identifiers: ClinVar variation 3393741 (VCV003393741.1).